The following is an entry in ClinVar:

ClinVar aggregate classification (germline): Likely benign. Review status: criteria provided, multiple submitters, no conflicts (2 of 4 stars). 2 submissions from 2 submitters: Likely benign (2). Last evaluated 2026-05-01.

Conditions:
Kleefstra syndrome 1 (KLEFS1). Identifiers: Orphanet 261494, MedGen C0795833, MONDO:0027407, OMIM 610253.

Allele frequency attached by ClinVar (database versions not stated): TOPMed below 0.00001; ExAC 0.00001; gnomAD 0.00001; gnomAD exomes 0.00001; 1000 Genomes Project 0.00020; 1000 Genomes Project 30x 0.00031.
gnomAD v4.1: 17 of 1,613,774 alleles (0.0011%); highest among the groups gnomAD compares: South Asian, 0.012%; no homozygotes.

Submissions (2):

CeGaT Center for Human Genetics Tuebingen
Classification: Likely benign. Last evaluated: 2026-05-01. Review status: criteria provided, single submitter. Criteria: CeGaT Center For Human Genetics Tuebingen Variant Classification Criteria Version 2. Collection method: clinical testing. Allele origin: germline. Affected: yes. Observed: 1 variant allele.
Comment: EHMT1: BP4, BP7

Labcorp Genetics (formerly Invitae), Labcorp
Classification: Likely benign for Kleefstra syndrome 1. Last evaluated: 2024-05-06. Review status: criteria provided, single submitter. Criteria: Invitae Variant Classification Sherloc (09022015). Collection method: clinical testing. Allele origin: germline.

NM_024757.5(EHMT1):c.2937G>A (p.Ala979=)

Gene: EHMT1 (euchromatic histone lysine methyltransferase 1; plus strand). Cytogenetic location: 9q34.3.
Variant type: single nucleotide variant.
Coding change: c.2937G>A on transcript NM_024757.5 (MANE Select); coding-DNA position 2937, G replaced by A.
Protein change: p.Ala979=; no amino-acid change (alanine 979 retained).
Molecular consequence: synonymous variant.
Genome position (GRCh38, 1-based): chr9:137,813,075, G>A. VCF-style: chr9-137813075-G-A. GRCh37 (hg19) VCF-style: chr9-140707527-G-A.
Other names: c.2916G>A, p.Ala972= (NM_001354263.2).
Identifiers: ClinVar variation 462989 (VCV000462989.13), dbSNP rs564664932, ClinGen allele CA5375108.